The following is an entry in ClinVar:

NM_007083.5(NUDT6):c.554-5C>A

Genes: FGF2 (fibroblast growth factor 2; plus strand), NUDT6 (nudix hydrolase 6; minus strand). Cytogenetic location: 4q28.1.
Variant type: single nucleotide variant.
Coding change: c.554-5C>A on transcript NM_007083.5 (MANE Select); 5 bases into the intron before coding-DNA position 554, C replaced by A.
Molecular consequence: intron variant. On other transcripts: 3 prime UTR variant (2).
Genome position (GRCh38, 1-based): chr4:122,893,230, G>T on the plus strand (C>A on the coding strand, the complement: NUDT6 is on the minus strand). VCF-style: chr4-122893230-G-T. GRCh37 (hg19) VCF-style: chr4-123814385-G-T.
Other names: NC_000004.11:g.123814385G>T; c.*834G>T (NM_001361665.2, NM_002006.6); c.47-5C>A (NM_198041.3).
Identifiers: ClinVar variation 3056995 (VCV003056995.3), dbSNP rs45625032, ClinGen allele CA3069838.

ClinVar aggregate classification (germline): Benign (0 of 4 stars; one submission).

Conditions:
NUDT6-related disorder. Also called: NUDT6-related condition.

Allele frequency attached by ClinVar (database versions not stated): gnomAD 0.04184; 1000 Genomes Project 0.04373; ESP Exome Variant Server 0.04436; 1000 Genomes Project 30x 0.04747.
gnomAD v4.1: 12,870 of 1,582,192 alleles (0.81%); highest among the groups gnomAD compares: African/African-American, 14%; 821 homozygotes.

Submissions 1 to 33 of 48:

PreventionGenetics, part of Exact Sciences
Classification: Benign for NUDT6-related condition. Last evaluated: 2019-08-10. Review status: no assertion criteria provided. Collection method: clinical testing. Allele origin: germline.
Comment: This variant is classified as benign based on ACMG/AMP sequence variant interpretation guidelines (Richards et al. 2015 PMID: 25741868, with internal and published modifications).

Dr. Peter K. Rogan Lab, Western University
No classification provided (evidence only). Condition: Lung cancer. Review status: no classification provided. Collection method: in vitro. Allele origin: not applicable. Functional consequence: retained intron. Not counted in ClinVar's aggregate classification.

Dr. Peter K. Rogan Lab, Western University
No classification provided (evidence only). Condition: Lung cancer. Review status: no classification provided. Collection method: in vitro. Allele origin: not applicable. Functional consequence: retained intron. Not counted in ClinVar's aggregate classification.

Dr. Peter K. Rogan Lab, Western University
No classification provided (evidence only). Condition: Lung cancer. Review status: no classification provided. Collection method: in vitro. Allele origin: not applicable. Functional consequence: retained intron. Not counted in ClinVar's aggregate classification.

Dr. Peter K. Rogan Lab, Western University
No classification provided (evidence only). Condition: Acute myeloid leukemia. Review status: no classification provided. Collection method: in vitro. Allele origin: not applicable. Functional consequence: retained intron. Not counted in ClinVar's aggregate classification.

Dr. Peter K. Rogan Lab, Western University
No classification provided (evidence only). Condition: Colon adenocarcinoma. Review status: no classification provided. Collection method: in vitro. Allele origin: not applicable. Functional consequence: retained intron. Not counted in ClinVar's aggregate classification.

Dr. Peter K. Rogan Lab, Western University
No classification provided (evidence only). Condition: Colon adenocarcinoma. Review status: no classification provided. Collection method: in vitro. Allele origin: not applicable. Functional consequence: retained intron. Not counted in ClinVar's aggregate classification.

Dr. Peter K. Rogan Lab, Western University
No classification provided (evidence only). Condition: Colon adenocarcinoma. Review status: no classification provided. Collection method: in vitro. Allele origin: not applicable. Functional consequence: retained intron. Not counted in ClinVar's aggregate classification.

Dr. Peter K. Rogan Lab, Western University
No classification provided (evidence only). Condition: Thyroid cancer, nonmedullary, 1. Review status: no classification provided. Collection method: in vitro. Allele origin: not applicable. Functional consequence: retained intron. Not counted in ClinVar's aggregate classification.

Dr. Peter K. Rogan Lab, Western University
No classification provided (evidence only). Condition: Thyroid cancer, nonmedullary, 1. Review status: no classification provided. Collection method: in vitro. Allele origin: not applicable. Functional consequence: retained intron. Not counted in ClinVar's aggregate classification.

Dr. Peter K. Rogan Lab, Western University
No classification provided (evidence only). Condition: Thyroid cancer, nonmedullary, 1. Review status: no classification provided. Collection method: in vitro. Allele origin: not applicable. Functional consequence: retained intron. Not counted in ClinVar's aggregate classification.

Dr. Peter K. Rogan Lab, Western University
No classification provided (evidence only). Condition: Thyroid cancer, nonmedullary, 1. Review status: no classification provided. Collection method: in vitro. Allele origin: not applicable. Functional consequence: retained intron. Not counted in ClinVar's aggregate classification.

Dr. Peter K. Rogan Lab, Western University
No classification provided (evidence only). Condition: Thyroid cancer, nonmedullary, 1. Review status: no classification provided. Collection method: in vitro. Allele origin: not applicable. Functional consequence: retained intron. Not counted in ClinVar's aggregate classification.

Dr. Peter K. Rogan Lab, Western University
No classification provided (evidence only). Condition: Uterine corpus endometrial carcinoma. Review status: no classification provided. Collection method: in vitro. Allele origin: not applicable. Functional consequence: retained intron. Not counted in ClinVar's aggregate classification.

Dr. Peter K. Rogan Lab, Western University
No classification provided (evidence only). Condition: Uterine corpus endometrial carcinoma. Review status: no classification provided. Collection method: in vitro. Allele origin: not applicable. Functional consequence: retained intron. Not counted in ClinVar's aggregate classification.

Dr. Peter K. Rogan Lab, Western University
No classification provided (evidence only). Condition: Uterine corpus endometrial carcinoma. Review status: no classification provided. Collection method: in vitro. Allele origin: not applicable. Functional consequence: retained intron. Not counted in ClinVar's aggregate classification.

Dr. Peter K. Rogan Lab, Western University
No classification provided (evidence only). Condition: Uterine corpus endometrial carcinoma. Review status: no classification provided. Collection method: in vitro. Allele origin: not applicable. Functional consequence: retained intron. Not counted in ClinVar's aggregate classification.

Dr. Peter K. Rogan Lab, Western University
No classification provided (evidence only). Condition: Uterine corpus endometrial carcinoma. Review status: no classification provided. Collection method: in vitro. Allele origin: not applicable. Functional consequence: retained intron. Not counted in ClinVar's aggregate classification.

Dr. Peter K. Rogan Lab, Western University
No classification provided (evidence only). Condition: Uterine corpus endometrial carcinoma. Review status: no classification provided. Collection method: in vitro. Allele origin: not applicable. Functional consequence: retained intron. Not counted in ClinVar's aggregate classification.

Dr. Peter K. Rogan Lab, Western University
No classification provided (evidence only). Condition: Uterine corpus endometrial carcinoma. Review status: no classification provided. Collection method: in vitro. Allele origin: not applicable. Functional consequence: retained intron. Not counted in ClinVar's aggregate classification.

Dr. Peter K. Rogan Lab, Western University
No classification provided (evidence only). Condition: Cervical cancer. Review status: no classification provided. Collection method: in vitro. Allele origin: not applicable. Functional consequence: retained intron. Not counted in ClinVar's aggregate classification.

Dr. Peter K. Rogan Lab, Western University
No classification provided (evidence only). Condition: Cervical cancer. Review status: no classification provided. Collection method: in vitro. Allele origin: not applicable. Functional consequence: retained intron. Not counted in ClinVar's aggregate classification.

Dr. Peter K. Rogan Lab, Western University
No classification provided (evidence only). Condition: Cervical cancer. Review status: no classification provided. Collection method: in vitro. Allele origin: not applicable. Functional consequence: retained intron. Not counted in ClinVar's aggregate classification.

Dr. Peter K. Rogan Lab, Western University
No classification provided (evidence only). Condition: Cervical cancer. Review status: no classification provided. Collection method: in vitro. Allele origin: not applicable. Functional consequence: retained intron. Not counted in ClinVar's aggregate classification.

Dr. Peter K. Rogan Lab, Western University
No classification provided (evidence only). Condition: Sarcoma. Review status: no classification provided. Collection method: in vitro. Allele origin: not applicable. Functional consequence: retained intron. Not counted in ClinVar's aggregate classification.

Dr. Peter K. Rogan Lab, Western University
No classification provided (evidence only). Condition: Sarcoma. Review status: no classification provided. Collection method: in vitro. Allele origin: not applicable. Functional consequence: retained intron. Not counted in ClinVar's aggregate classification.

Dr. Peter K. Rogan Lab, Western University
No classification provided (evidence only). Condition: Sarcoma. Review status: no classification provided. Collection method: in vitro. Allele origin: not applicable. Functional consequence: retained intron. Not counted in ClinVar's aggregate classification.

Dr. Peter K. Rogan Lab, Western University
No classification provided (evidence only). Condition: Sarcoma. Review status: no classification provided. Collection method: in vitro. Allele origin: not applicable. Functional consequence: retained intron. Not counted in ClinVar's aggregate classification.

Dr. Peter K. Rogan Lab, Western University
No classification provided (evidence only). Condition: Sarcoma. Review status: no classification provided. Collection method: in vitro. Allele origin: not applicable. Functional consequence: retained intron. Not counted in ClinVar's aggregate classification.

Dr. Peter K. Rogan Lab, Western University
No classification provided (evidence only). Condition: Sarcoma. Review status: no classification provided. Collection method: in vitro. Allele origin: not applicable. Functional consequence: retained intron. Not counted in ClinVar's aggregate classification.

Dr. Peter K. Rogan Lab, Western University
No classification provided (evidence only). Condition: Sarcoma. Review status: no classification provided. Collection method: in vitro. Allele origin: not applicable. Functional consequence: retained intron. Not counted in ClinVar's aggregate classification.

Dr. Peter K. Rogan Lab, Western University
No classification provided (evidence only). Condition: Sarcoma. Review status: no classification provided. Collection method: in vitro. Allele origin: not applicable. Functional consequence: retained intron. Not counted in ClinVar's aggregate classification.

Dr. Peter K. Rogan Lab, Western University
No classification provided (evidence only). Condition: Sarcoma. Review status: no classification provided. Collection method: in vitro. Allele origin: not applicable. Functional consequence: retained intron. Not counted in ClinVar's aggregate classification.